The following is an entry in ClinVar:

NM_000465.4(BARD1):c.1685C>T (p.Thr562Ile)

Gene: BARD1 (BRCA1 associated RING domain 1; minus strand). Cytogenetic location: 2q35.
Variant type: single nucleotide variant.
Coding change: c.1685C>T on transcript NM_000465.4 (MANE Select); coding-DNA position 1685, C replaced by T.
Protein change: p.Thr562Ile; replaces threonine 562 with isoleucine.
Molecular consequence: missense variant. On other transcripts: non-coding transcript variant (3), intron variant (1).
Genome position (GRCh38, 1-based): chr2:214,745,847, G>A on the plus strand (C>T on the coding strand, the complement: BARD1 is on the minus strand). VCF-style: chr2-214745847-G-A. GRCh37 (hg19) VCF-style: chr2-215610571-G-A.
Other names: p.T562I:ACT>ATT; c.1628C>T, p.Thr543Ile (NM_001282543.2); c.332C>T, p.Thr111Ile (NM_001282545.2); c.275C>T, p.Thr92Ile (NM_001282548.2); c.365-15339C>T (NM_001282549.2); short protein forms T562I, T111I, T543I, T92I.
Identifiers: ClinVar variation 182049 (VCV000182049.20), dbSNP rs730881420, ClinGen allele CA298470.

ClinVar aggregate classification (germline): Uncertain significance. Review status: criteria provided, multiple submitters, no conflicts (2 of 4 stars). 5 submissions from 5 submitters: Uncertain significance (5). Last evaluated 2025-12-16.

Conditions:
Hereditary cancer-predisposing syndrome. Also called: Tumor predisposition; Hereditary Cancer Syndrome; Hereditary neoplastic syndrome; Neoplastic Syndromes, Hereditary. Identifiers: Orphanet 140162, MedGen C0027672, MeSH D009386, MONDO:0015356.
Familial cancer of breast. Also called: BREAST CANCER, FAMILIAL; Hereditary breast cancer; hereditary breast carcinoma. Identifiers: Orphanet 227535, MedGen C0346153, MONDO:0016419, OMIM 114480. Disease mechanism: loss of function.

Allele frequency attached by ClinVar (database versions not stated): ExAC 0.00001.
gnomAD v4.1: 12 of 1,613,972 alleles (0.00074%); highest among the groups gnomAD compares: Admixed American, 0.0033%; no homozygotes.

Submissions (5):

Color Diagnostics, LLC DBA Color Health
Classification: Uncertain significance for Hereditary cancer-predisposing syndrome. Last evaluated: 2025-12-16. Review status: criteria provided, single submitter. Criteria: ACMG Guidelines, 2015. Collection method: clinical testing. Allele origin: germline.
Comment: This missense variant replaces threonine with isoleucine at codon 562 of the BARD1 protein. Computational prediction suggests that this variant may not impact protein structure and function. To our knowledge, functional studies have not been reported for this variant. This variant has been reported in an individual affected with breast cancer (PMID: 33471991). This variant has been identified in 12/1613972 chromosomes in the general population by the Genome Aggregation Database (gnomAD). The available evidence is insufficient to determine the role of this variant in disease conclusively. Therefore, this variant is classified as a Variant of Uncertain Significance.

Labcorp Genetics (formerly Invitae), Labcorp
Classification: Uncertain significance for Familial cancer of breast. Last evaluated: 2025-11-02. Review status: criteria provided, single submitter. Criteria: Invitae Variant Classification Sherloc (09022015). Collection method: clinical testing. Allele origin: germline.
Comment: This sequence change replaces threonine, which is neutral and polar, with isoleucine, which is neutral and non-polar, at codon 562 of the BARD1 protein (p.Thr562Ile). This variant is present in population databases (rs730881420, gnomAD 0.006%). This missense change has been observed in individual(s) with pancreatic cancer (PMID: 26483394). ClinVar contains an entry for this variant (Variation ID: 182049). An algorithm developed to predict the effect of missense changes on protein structure and function (PolyPhen-2) suggests that this variant is likely to be tolerated. In summary, the available evidence is currently insufficient to determine the role of this variant in disease. Therefore, it has been classified as a Variant of Uncertain Significance.

Ambry Genetics
Classification: Uncertain significance for Hereditary cancer-predisposing syndrome. Last evaluated: 2025-01-10. Review status: criteria provided, single submitter. Criteria: Ambry Variant Classification Scheme 2023. Collection method: clinical testing. Allele origin: germline.
Comment: The p.T562I variant (also known as c.1685C>T), located in coding exon 8 of the BARD1 gene, results from a C to T substitution at nucleotide position 1685. The threonine at codon 562 is replaced by isoleucine, an amino acid with similar properties. This alteration was reported in a cohort of individuals with pancreatic ductal adenocarcinoma; however, limited clinical information was provided (Hu C et al. Cancer Epidemiol. Biomarkers Prev. 2016 Jan;25:207-11). This amino acid position is not well conserved in available vertebrate species. In addition, the in silico prediction for this alteration is inconclusive. Since supporting evidence is limited at this time, the clinical significance of this alteration remains unclear.

GeneDx
Classification: Uncertain significance. Last evaluated: 2023-09-25. Review status: criteria provided, single submitter. Criteria: GeneDx Variant Classification Process June 2021. Collection method: clinical testing. Allele origin: germline. Affected: yes.
Comment: Not observed at significant frequency in large population cohorts (gnomAD); In silico analysis supports that this missense variant has a deleterious effect on protein structure/function; Observed in individual(s) with pancreatic cancer (Hu et al., 2016); This variant is associated with the following publications: (PMID: 26315354, 33471991, 18842000, 26483394)

Sema4
Classification: Uncertain significance for Hereditary cancer-predisposing syndrome. Last evaluated: 2022-01-04. Review status: criteria provided, single submitter. Criteria: Sema4 Curation Guidelines. Collection method: curation. Allele origin: germline.
Comment: The BARD1 c.1685C>T (p.T562I) variant has been reported in heterozygosity in at least one individual with breast cancer and one individual with pancreatic cancer (PMID: 33471991, 26483394). This variant was observed in 2/34590 chromosomes in the Latino population according to the Genome Aggregation Database (PMID: 32461654). This variant has been reported in ClinVar (Variation ID: 182049). Functional studies have not been performed, and in silico predictions of the variant's effect on protein function are inconclusive. The evidence is insufficient to meet ACMG/AMP criteria for classifying the variant as benign or pathogenic. Thus, the clinical significance of this variant is currently uncertain.

Literature cited by the submitters: PubMed 33471991 (cited by Color Diagnostics, LLC DBA Color Health and Sema4); PubMed 26483394 (cited by 3 submitters).